The following is an entry in ClinVar:

NM_001077653.2(TBX20):c.1010C>T (p.Ala337Val)

Gene: TBX20 (T-box transcription factor 20; minus strand). Cytogenetic location: 7p14.2.
Variant type: single nucleotide variant.
Coding change: c.1010C>T on transcript NM_001077653.2 (MANE Select); coding-DNA position 1010, C replaced by T.
Protein change: p.Ala337Val; replaces alanine 337 with valine.
Molecular consequence: missense variant.
Genome position (GRCh38, 1-based): chr7:35,202,764, G>A on the plus strand (C>T on the coding strand, the complement: TBX20 is on the minus strand). VCF-style: chr7-35202764-G-A. GRCh37 (hg19) VCF-style: chr7-35242376-G-A.
Other names: short protein forms A337V.
Identifiers: ClinVar variation 3705528 (VCV003705528.3).
Genomic context (GRCh38, chr7:35,202,764, plus strand): 5'-GGAAAACTGGAAGAAGATGATACCCAGGAGCTGAGAGACAAATTATCAGATGTTGTAAAG[G>A]CTGACCCTGTAAGGAAAAACACTCATTAGACTGGAAACACTGTGTCAATGTACAGATCAA-3'
Protein context (NP_001071121.1, residues 327-347): ESQTTPNRGS[Ala337Val]FTTSDNLSLS

ClinVar aggregate classification (germline): Uncertain significance. Review status: criteria provided, multiple submitters, no conflicts (2 of 4 stars). 2 submissions from 2 submitters: Uncertain significance (2). Last evaluated 2025-10-23.

Conditions:
Cardiovascular phenotype. Identifiers: MedGen CN230736.

Submissions (2):

Ambry Genetics
Classification: Uncertain significance for Cardiovascular phenotype. Last evaluated: 2025-10-23. Review status: criteria provided, single submitter. Criteria: Ambry Variant Classification Scheme 2023. Collection method: clinical testing. Allele origin: germline.

Labcorp Genetics (formerly Invitae), Labcorp
Classification: Uncertain significance. Last evaluated: 2025-09-24. Review status: criteria provided, single submitter. Criteria: Invitae Variant Classification Sherloc (09022015). Collection method: clinical testing. Allele origin: germline.
Comment: This sequence change replaces alanine, which is neutral and non-polar, with valine, which is neutral and non-polar, at codon 337 of the TBX20 protein (p.Ala337Val). This variant is present in population databases (no rsID available, gnomAD 0.007%). This variant has not been reported in the literature in individuals affected with TBX20-related conditions. ClinVar contains an entry for this variant (Variation ID: 3705528). Invitae Evidence Modeling of protein sequence and biophysical properties (such as structural, functional, and spatial information, amino acid conservation, physicochemical variation, residue mobility, and thermodynamic stability) indicates that this missense variant is not expected to disrupt TBX20 protein function with a negative predictive value of 80%. In summary, the available evidence is currently insufficient to determine the role of this variant in disease. Therefore, it has been classified as a Variant of Uncertain Significance.